The following is an entry in ClinVar:

NM_014423.4(AFF4):c.2895C>T (p.Ser965=)

Gene: AFF4 (ALF transcription elongation factor 4; minus strand). Cytogenetic location: 5q31.1.
Variant type: single nucleotide variant.
Coding change: c.2895C>T on transcript NM_014423.4 (MANE Select); coding-DNA position 2895, C replaced by T.
Protein change: p.Ser965=; no amino-acid change (serine 965 retained).
Molecular consequence: synonymous variant.
Genome position (GRCh38, 1-based): chr5:132,887,884, G>A on the plus strand (C>T on the coding strand, the complement: AFF4 is on the minus strand). VCF-style: chr5-132887884-G-A. GRCh37 (hg19) VCF-style: chr5-132223576-G-A.
Identifiers: ClinVar variation 3354403 (VCV003354403.1).
Genomic context (GRCh38, chr5:132,887,884, plus strand): 5'-TCTGCCAAGTTTTTCCACTTACTTGATGAGATCCACCGTCTCTGAATACATAGGGAATGG[G>A]GATTTGGATTCCTGAGCATTCTTCTCTAATGCATTCCCACATTCAATGAAAGATACCACA-3'
Protein context (NP_055238.1, residues 955-975): ALEKNAQESK[Ser965=]PFPMYSETVD

ClinVar aggregate classification (germline): Likely benign (0 of 4 stars; one submission).

Conditions:
AFF4-related disorder. Also called: AFF4-related condition.

gnomAD v4.1: 4 of 1,613,682 alleles (0.00025%); highest among the groups gnomAD compares: African/African-American, 0.004%; no homozygotes.

Submission:

PreventionGenetics, part of Exact Sciences
Classification: Likely benign for AFF4-related condition. Last evaluated: 2023-10-31. Review status: no assertion criteria provided. Collection method: clinical testing. Allele origin: germline.
Comment: This variant is classified as likely benign based on ACMG/AMP sequence variant interpretation guidelines (Richards et al. 2015 PMID: 25741868, with internal and published modifications).